The following is an entry in ClinVar:

NM_024408.4(NOTCH2):c.846C>T (p.Tyr282=)

Gene: NOTCH2 (notch receptor 2; minus strand). Cytogenetic location: 1p12.
Variant type: single nucleotide variant.
Coding change: c.846C>T on transcript NM_024408.4 (MANE Select); coding-DNA position 846, C replaced by T.
Protein change: p.Tyr282=; no amino-acid change (tyrosine 282 retained).
Molecular consequence: synonymous variant.
Genome position (GRCh38, 1-based): chr1:119,986,988, G>A on the plus strand (C>T on the coding strand, the complement: NOTCH2 is on the minus strand). VCF-style: chr1-119986988-G-A. GRCh37 (hg19) VCF-style: chr1-120529611-G-A.
Other names: c.846C>T, p.Tyr282= (NM_001200001.2).
Identifiers: ClinVar variation 2663258 (VCV002663258.2), dbSNP rs200938427, ClinGen allele CA30314035.

ClinVar aggregate classification (germline): Uncertain significance. Review status: criteria provided, multiple submitters, no conflicts (2 of 4 stars). 2 submissions from 2 submitters: Uncertain significance (2). Last evaluated 2024-05-14.

Conditions:
Alagille syndrome due to a NOTCH2 point mutation. Also called: Alagille syndrome 2. Identifiers: Orphanet 261629, Orphanet 52, MedGen C1857761, MONDO:0012439, OMIM 610205.
Hajdu-Cheney syndrome (HJCYS). Also called: ACROOSTEOLYSIS WITH OSTEOPOROSIS AND CHANGES IN SKULL AND MANDIBLE; SERPENTINE FIBULA-POLYCYSTIC KIDNEY SYNDROME; Acroosteolysis dominant type. Identifiers: Orphanet 955, MedGen C0917715, MONDO:0007057, OMIM 102500.

Allele frequency attached by ClinVar (database versions not stated): gnomAD 0.00001.
gnomAD v4.1: 15 of 1,613,540 alleles (0.00093%); highest among the groups gnomAD compares: African/African-American, 0.004%; no homozygotes.

Submissions (2):

Fulgent Genetics
Classification: Uncertain significance for Hajdu-Cheney syndrome; Alagille syndrome due to a NOTCH2 point mutation. Last evaluated: 2024-05-14. Review status: criteria provided, single submitter. Criteria: ACMG Guidelines, 2015. Collection method: clinical testing. Allele origin: germline.

GeneDx
Classification: Uncertain significance. Last evaluated: 2023-05-12. Review status: criteria provided, single submitter. Criteria: GeneDx Variant Classification Process June 2021. Collection method: clinical testing. Allele origin: germline. Affected: yes.
Comment: In silico analysis supports that this variant does not alter splicing; Has not been previously published as pathogenic or benign to our knowledge